The following is an entry in ClinVar:

ClinVar aggregate classification (germline): Uncertain significance. Review status: criteria provided, multiple submitters, no conflicts (2 of 4 stars). 2 submissions from 2 submitters: Uncertain significance (2). Last evaluated 2022-06-28.

Conditions:
COG4-congenital disorder of glycosylation. Also called: COG4-CDG; CONGENITAL DISORDER OF GLYCOSYLATION, TYPE IIj; CDG IIj. Identifiers: Orphanet 263501, MedGen C4303552, MONDO:0013281, OMIM 613489.
Microcephalic osteodysplastic dysplasia, Saul-Wilson type. Also called: MICROCEPHALIC OSTEODYSPLASTIC DYSPLASIA; Saul-Wilson Syndrome. Identifiers: Orphanet 85172, MedGen C4509877, MONDO:0019407, OMIM 618150.
Inborn genetic diseases. Identifiers: MedGen C0950123, MeSH D030342.

Allele frequency attached by ClinVar (database versions not stated): gnomAD 0.00001; gnomAD exomes 0.00001; TOPMed 0.00004.
gnomAD v4.1: 9 of 1,613,932 alleles (0.00056%); highest among the groups gnomAD compares: Admixed American, 0.0017%; no homozygotes.

Submissions (2):

Ambry Genetics
Classification: Uncertain significance for Inborn genetic diseases. Last evaluated: 2022-06-28. Review status: criteria provided, single submitter. Criteria: Ambry Variant Classification Scheme 2023. Collection method: clinical testing. Allele origin: germline.

Juno Genomics, Hangzhou Juno Genomics, Inc
Classification: Uncertain significance for COG4-congenital disorder of glycosylation; Microcephalic osteodysplastic dysplasia, Saul-Wilson type. Review status: criteria provided, single submitter. Criteria: ACMG Guidelines, 2015. Collection method: clinical testing. Allele origin: germline.
Comment: Absent from controls (or at extremely low frequency if recessive) in Genome Aggregation Database.;Multiple lines of computational evidence support a deleterious effect on the gene or gene product.

NM_015386.3(COG4):c.661C>T (p.Arg221Cys)

Gene: COG4 (component of oligomeric golgi complex 4; minus strand). Cytogenetic location: 16q22.1.
Variant type: single nucleotide variant.
Coding change: c.661C>T on transcript NM_015386.3 (MANE Select); coding-DNA position 661, C replaced by T.
Protein change: p.Arg221Cys; replaces arginine 221 with cysteine.
Molecular consequence: missense variant. On other transcripts: non-coding transcript variant (1).
Genome position (GRCh38, 1-based): chr16:70,512,316, G>A on the plus strand (C>T on the coding strand, the complement: COG4 is on the minus strand). VCF-style: chr16-70512316-G-A. GRCh37 (hg19) VCF-style: chr16-70546219-G-A.
Other names: c.649C>T, p.Arg217Cys (NM_001195139.2); c.235C>T, p.Arg79Cys (NM_001365426.1); short protein forms R79C, R217C, R221C.
Identifiers: ClinVar variation 2217296 (VCV002217296.4), dbSNP rs937633759, ClinGen allele CA283452712.